The following is an entry in ClinVar:

ClinVar aggregate classification (germline): Benign. Review status: criteria provided, multiple submitters, no conflicts (2 of 4 stars). 2 submissions from 2 submitters: Benign (2). Last evaluated 2021-05-04.

Allele frequency attached by ClinVar (database versions not stated): TOPMed 0.23297; gnomAD exomes 0.17679 and 0.23611; ESP Exome Variant Server 0.19345; gnomAD 0.21022 and 0.21608; ExAC 0.23234; 1000 Genomes Project 30x 0.31558; 1000 Genomes Project 0.31689.

Submissions (2):

GeneDx
Classification: Benign. Last evaluated: 2021-05-04. Review status: criteria provided, single submitter. Criteria: GeneDx Variant Classification Process June 2021. Collection method: clinical testing. Allele origin: germline. Affected: yes.
Comment: This variant is associated with the following publications: (PMID: 24176758, 24608987, 24184149)

Breakthrough Genomics
Classification: Benign. Review status: criteria provided, single submitter. Criteria: ACMG Guidelines, 2015. Collection method: not provided. Allele origin: germline. Inheritance: Autosomal recessive inheritance. Affected: yes.

NM_001014342.3(FLG2):c.7130C>A (p.Ser2377Ter)

Genes: CCDST (cervical cancer associated DHX9 suppressive transcript; plus strand), FLG2 (filaggrin 2; minus strand). Cytogenetic location: 1q21.3.
Variant type: single nucleotide variant.
Coding change: c.7130C>A on transcript NM_001014342.3 (MANE Select); coding-DNA position 7130, C replaced by A.
Protein change: p.Ser2377Ter; replaces serine 2377 with a stop codon.
Molecular consequence: nonsense.
Genome position (GRCh38, 1-based): chr1:152,350,656, G>T on the plus strand (C>A on the coding strand, the complement: FLG2 is on the minus strand). VCF-style: chr1-152350656-G-T. GRCh37 (hg19) VCF-style: chr1-152323132-G-T.
Other names: short protein forms S2377*.
Identifiers: ClinVar variation 1287657 (VCV001287657.2), dbSNP rs12568784, ClinGen allele CA1108144.
Genomic context (GRCh38, chr1:152,350,656, plus strand): 5'-CTAGAAAATAACTGTCAATGTCTAGACAGTTGCTTGTTTGCAGTGCTGTCTGTTGACCAT[G>T]AAAGGTGAGAATTACTGATGCTTTTTCTGCTGCCACCAGAAGGCCCATACCCAGTGTGCC-3'